The following is an entry in ClinVar:

NM_013335.4(GMPPA):c.872C>T (p.Pro291Leu)

Genes: ASIC4-AS1 (ASIC4 antisense RNA 1; minus strand), GMPPA (GDP-mannose pyrophosphorylase A; plus strand). Cytogenetic location: 2q35.
Variant type: single nucleotide variant.
Coding change: c.872C>T on transcript NM_013335.4 (MANE Select); coding-DNA position 872, C replaced by T.
Protein change: p.Pro291Leu; replaces proline 291 with leucine.
Molecular consequence: missense variant.
Genome position (GRCh38, 1-based): chr2:219,505,733, C>T. VCF-style: chr2-219505733-C-T. GRCh37 (hg19) VCF-style: chr2-220370455-C-T.
Other names: c.872C>T, p.Pro291Leu (NM_001374294.1, NM_001374295.1, NM_205847.3); short protein forms P291L.
Identifiers: ClinVar variation 2185648 (VCV002185648.4), dbSNP rs745743360, ClinGen allele CA2128333.
Genomic context (GRCh38, chr2:219,505,733, plus strand): 5'-GGTTTGGGATATTTGCCCCCAGGGCCTCTCTTCTGCTTCTAGGGAATGTGTACATCCACC[C>T]GACCGCCAAGGTGGCCCCCTCGGCTGTGGTGAGCACTGGTCCCAGCCCCAGGGAGGGAAG-3'
Protein context (NP_037467.2, residues 281-301): PWIRGNVYIH[Pro291Leu]TAKVAPSAVL

ClinVar aggregate classification (germline): Uncertain significance (1 of 4 stars; one submission).

Conditions:
Alacrima, achalasia, and impaired intellectual development syndrome. Also called: Alacrima, achalasia, and intellectual disability syndrome; Alacrima, achalasia, and mental retardation syndrome. Identifiers: Orphanet 869, MedGen C4706563, MONDO:0014219, OMIM 615510.

Allele frequency attached by ClinVar (database versions not stated): ExAC 0.00001; gnomAD 0.00001; TOPMed 0.00003.
gnomAD v4.1: 12 of 1,610,660 alleles (0.00075%); highest among the groups gnomAD compares: African/African-American, 0.0053%; no homozygotes.

Submission:

Labcorp Genetics (formerly Invitae), Labcorp
Classification: Uncertain significance for Alacrima, achalasia, and impaired intellectual development syndrome. Last evaluated: 2022-07-19. Review status: criteria provided, single submitter. Criteria: Invitae Variant Classification Sherloc (09022015). Collection method: clinical testing. Allele origin: germline.
Comment: In summary, the available evidence is currently insufficient to determine the role of this variant in disease. Therefore, it has been classified as a Variant of Uncertain Significance. Algorithms developed to predict the effect of missense changes on protein structure and function are either unavailable or do not agree on the potential impact of this missense change (SIFT: "Deleterious"; PolyPhen-2: "Probably Damaging"; Align-GVGD: "Class C0"). This variant has not been reported in the literature in individuals affected with GMPPA-related conditions. This variant is present in population databases (rs745743360, gnomAD 0.01%). This sequence change replaces proline, which is neutral and non-polar, with leucine, which is neutral and non-polar, at codon 291 of the GMPPA protein (p.Pro291Leu).